The following is an entry in ClinVar:

ClinVar aggregate classification (germline): Pathogenic/Likely pathogenic. Review status: criteria provided, multiple submitters, no conflicts (2 of 4 stars). 5 submissions from 5 submitters: Pathogenic (1); Likely pathogenic (3). 1 of the submissions does not count toward it. Last evaluated 2025-08-08.

Conditions:
Oculodentodigital dysplasia, autosomal recessive. Also called: OCULODENTOOSSEOUS DYSPLASIA, AUTOSOMAL RECESSIVE; ODDD, AUTOSOMAL RECESSIVE; ODOD, AUTOSOMAL RECESSIVE. Identifiers: Orphanet 2710, MedGen C2749477, MONDO:0009768, OMIM 257850.
Oculodentodigital dysplasia (ODDD). Also called: ODD SYNDROME; Oculodentodigital syndrome. Identifiers: Orphanet 2710, MedGen C0812437, MONDO:0008111, OMIM 164200.

Submissions (5):

GeneDx
Classification: Likely pathogenic. Last evaluated: 2025-08-08. Review status: criteria provided, single submitter. Criteria: GeneDx Variant Classification Process June 2021. Collection method: clinical testing. Allele origin: germline. Affected: yes.
Comment: Reported previously segregating in a family with oculodentodigital dysplasia however detailed clinical or segregation information was not specified (PMID: 10331943; 12457340); Published functional studies suggest that R76S results in reduced gap activity in vitro; however additional studies are needed to validate the functional effect of this variant in vivo (PMID: 34630166); In silico analysis supports that this missense variant has a deleterious effect on protein structure/function; Not observed at significant frequency in large population cohorts (gnomAD); This variant is associated with the following publications: (PMID: 32318302, 30626485, Katturajan 2023[computational], 37395717, 12457340, 34630166)

Labcorp Genetics (formerly Invitae), Labcorp
Classification: Pathogenic for Oculodentodigital dysplasia, autosomal recessive. Last evaluated: 2025-06-23. Review status: criteria provided, single submitter. Criteria: Invitae Variant Classification Sherloc (09022015). Collection method: clinical testing. Allele origin: germline.
Comment: This sequence change replaces arginine, which is basic and polar, with serine, which is neutral and polar, at codon 76 of the GJA1 protein (p.Arg76Ser). This variant is not present in population databases (gnomAD no frequency). This missense change has been observed in individuals with clinical features of autosomal dominant oculodentodigital dysplasia (PMID: 12457340; internal data). It has also been observed to segregate with disease in related individuals. ClinVar contains an entry for this variant (Variation ID: 16997). Invitae Evidence Modeling of protein sequence and biophysical properties (such as structural, functional, and spatial information, amino acid conservation, physicochemical variation, residue mobility, and thermodynamic stability) indicates that this missense variant is expected to disrupt GJA1 protein function with a positive predictive value of 95%. Experimental studies have shown that this missense change affects GJA1 function (PMID: 34630166, 37395717). This variant disrupts the p.Arg76 amino acid residue in GJA1. Other variant(s) that disrupt this residue have been observed in individuals with GJA1-related conditions (PMID: 12457340, 24115525), which suggests that this may be a clinically significant amino acid residue. For these reasons, this variant has been classified as Pathogenic.

Greenwood Genetic Center Diagnostic Laboratories, Greenwood Genetic Center
Classification: Likely pathogenic for Oculodentodigital dysplasia. Last evaluated: 2021-12-07. Review status: criteria provided, single submitter. Criteria: ACMG Guidelines, 2015. Collection method: clinical testing. Allele origin: germline. Affected: yes.
Comment: PM2, PM5, PS5_Supporting, PP3

Genetic Services Laboratory, University of Chicago
Classification: Likely pathogenic for Oculodentodigital dysplasia. Last evaluated: 2014-05-12. Review status: criteria provided, single submitter. Criteria: ACMG Guidelines, 2015. Collection method: clinical testing. Allele origin: germline. Inheritance: Autosomal dominant inheritance. Affected: yes.

OMIM
Classification: Pathogenic for OCULODENTODIGITAL DYSPLASIA. Last evaluated: 2003-02-01. Review status: no assertion criteria provided. Collection method: literature only. Allele origin: germline. Not counted in ClinVar's aggregate classification.

Literature cited by the submitters: PubMed 12457340 (cited by Labcorp Genetics (formerly Invitae), Labcorp and OMIM); PubMed 34630166 (cited by Labcorp Genetics (formerly Invitae), Labcorp); PubMed 37395717 (cited by Labcorp Genetics (formerly Invitae), Labcorp); PubMed 24115525 (cited by Labcorp Genetics (formerly Invitae), Labcorp).

NM_000165.5(GJA1):c.226C>A (p.Arg76Ser)

Gene: GJA1 (gap junction protein alpha 1; plus strand). Cytogenetic location: 6q22.31.
Variant type: single nucleotide variant.
Coding change: c.226C>A on transcript NM_000165.5 (MANE Select); coding-DNA position 226, C replaced by A.
Protein change: p.Arg76Ser; replaces arginine 76 with serine.
Molecular consequence: missense variant.
Genome position (GRCh38, 1-based): chr6:121,447,073, C>A. VCF-style: chr6-121447073-C-A. GRCh37 (hg19) VCF-style: chr6-121768219-C-A.
Other names: short protein forms R76S.
Identifiers: ClinVar variation 16997 (VCV000016997.17), dbSNP rs267606845, ClinGen allele CA127020.
Genomic context (GRCh38, chr6:121,447,073, plus strand): 5'-ACTCAGCAACCTGGTTGTGAAAATGTCTGCTATGACAAGTCTTTCCCAATCTCTCATGTG[C>A]GCTTCTGGGTCCTGCAGATCATATTTGTGTCTGTACCCACACTCTTGTACCTGGCTCATG-3'
Protein context (NP_000156.1, residues 66-86): YDKSFPISHV[Arg76Ser]FWVLQIIFVS